The following is an entry in ClinVar:

NM_000238.4(KCNH2):c.3152+2T>C

Gene: KCNH2 (potassium voltage-gated channel subfamily H member 2; minus strand). Cytogenetic location: 7q36.1.
Variant type: single nucleotide variant.
Coding change: c.3152+2T>C on transcript NM_000238.4 (MANE Select); the canonical splice donor site of the intron after coding-DNA position 3152, T replaced by C.
Molecular consequence: splice donor variant.
Genome position (GRCh38, 1-based): chr7:150,947,326, A>G on the plus strand (T>C on the coding strand, the complement: KCNH2 is on the minus strand). VCF-style: chr7-150947326-A-G. GRCh37 (hg19) VCF-style: chr7-150644414-A-G.
Other names: c.2864+2T>C (NM_001406753.1); c.2132+2T>C (NM_172057.3).
Identifiers: ClinVar variation 373047 (VCV000373047.2), dbSNP rs1057518169, ClinGen allele CA16042589.

ClinVar aggregate classification (germline): Pathogenic (1 of 4 stars; one submission).

Allele frequency attached by ClinVar (database versions not stated): gnomAD exomes below 0.00001.
gnomAD v4.1: 1 of 1,539,770 alleles (0.000065%); highest among the groups gnomAD compares: Admixed American, 0.002%; no homozygotes.

Submission:

GeneDx
Classification: Pathogenic. Last evaluated: 2016-10-27. Review status: criteria provided, single submitter. Criteria: GeneDx Variant Classification (06012015). Collection method: clinical testing. Allele origin: germline. Affected: yes.
Comment: Although the c.3152+2 T>C variant in the KCNH2 gene has not been reported as a pathogenic variant or as a benign variant to our knowledge, it destroys the canonical splice donor site in intron 13 and is predicted to cause abnormal gene splicing. This variant is predicted to lead to either an abnormal message that is subject to nonsense-mediated mRNA decay, or to an abnormal protein product if the message is used for protein translation. Multiple other splice site variants in the KCNH2 gene have been reported in HGMD in association with LQTS (Stenson et al., 2014). Additionally, two pathogenic splice site variants in the KCNH2 gene, occurring in the adjacent nucleotide (c.3152+1 G>A, c.3152+1 G>T), have been reported at GeneDx in association with LQTS, supporting the functional importance of this canonical splice donor site. Furthermore, the c.3152+2 T>C variant was not observed in approximately 5,800 individuals of European and African American ancestry in the NHLBI Exome Sequencing Project (average read depth 6x).In summary, c.3152+2 T>C in the KCNH2 gene is interpreted as a pathogenic variant.